The following is an entry in ClinVar:

ClinVar aggregate classification (germline): Conflicting classifications of pathogenicity. Review status: criteria provided, conflicting classifications (1 of 4 stars). 2 submissions from 2 submitters: Pathogenic (1); Uncertain significance (1). Last evaluated 2020-12-03.

Conditions:
Radio-Tartaglia syndrome. Identifiers: Orphanet 662234, MedGen C5543339, MONDO:0859143, OMIM 619312.

Submissions (2):

Tartaglia Lab, Genetics and Rare Diseases Research Division, Bambino Gesu' Children's Hospital
Classification: Pathogenic. Last evaluated: 2020-12-03. Review status: criteria provided, single submitter. Criteria: ACMG Guidelines, 2015. Collection method: research. Allele origin: de novo. Affected: yes. Observed: 1 variant allele.

Illumina Laboratory Services, Illumina
Classification: Uncertain significance for Radio-Tartaglia syndrome. Last evaluated: 2020-08-21. Review status: criteria provided, single submitter. Criteria: ICSLVariantClassificationCriteria RUGD 01 April 2020. Collection method: clinical testing. Allele origin: unknown.
Comment: The SPEN c.2101G>T p.(Glu701Ter) nonsense variant is expected to result in the loss of normal protein function through either protein truncation or nonsense-mediated mRNA decay. To our knowledge, this variant has not been reported in the peer-reviewed literature. This variant is not observed in version 2.1.1 or version 4.0.0 of the Genome Aggregation Database. Based on the limited evidence, the c.2101G>T p.(Glu701Ter) variant is classified as a variant of uncertain significance for Radio-Tartaglia syndrome.

NM_015001.3(SPEN):c.2101G>T (p.Glu701Ter)

Gene: SPEN (spen family transcriptional repressor; plus strand). Cytogenetic location: 1p36.13.
Variant type: single nucleotide variant.
Coding change: c.2101G>T on transcript NM_015001.3 (MANE Select); coding-DNA position 2101, G replaced by T.
Protein change: p.Glu701Ter; replaces glutamic acid 701 with a stop codon.
Molecular consequence: nonsense.
Genome position (GRCh38, 1-based): chr1:15,928,341, G>T. VCF-style: chr1-15928341-G-T. GRCh37 (hg19) VCF-style: chr1-16254836-G-T.
Other names: short protein forms E701*.
Identifiers: ClinVar variation 992601 (VCV000992601.3), dbSNP rs2148737840, ClinGen allele CA338597980.